The following is an entry in ClinVar:

ClinVar aggregate classification (germline): Uncertain significance (1 of 4 stars; one submission).

Allele frequency attached by ClinVar (database versions not stated): gnomAD exomes below 0.00001 and 0.00001.
gnomAD v4.1: 1 of 1,528,592 alleles (0.000065%); highest among the groups gnomAD compares: East Asian, 0.0025%; no homozygotes.

Submission:

Labcorp Genetics (formerly Invitae), Labcorp
Classification: Uncertain significance. Last evaluated: 2021-09-01. Review status: criteria provided, single submitter. Criteria: Invitae Variant Classification Sherloc (09022015). Collection method: clinical testing. Allele origin: germline.
Comment: This sequence change replaces serine with proline at codon 815 of the EYS protein (p.Ser815Pro). The serine residue is highly conserved and there is a moderate physicochemical difference between serine and proline. This variant is not present in population databases (ExAC no frequency). This variant has not been reported in the literature in individuals affected with EYS-related conditions. Algorithms developed to predict the effect of missense changes on protein structure and function (SIFT, PolyPhen-2, Align-GVGD) all suggest that this variant is likely to be disruptive. In summary, the available evidence is currently insufficient to determine the role of this variant in disease. Therefore, it has been classified as a Variant of Uncertain Significance.

NM_001142800.2(EYS):c.2443T>C (p.Ser815Pro)

Gene: EYS (eyes shut homolog; minus strand). Cytogenetic location: 6q12.
Variant type: single nucleotide variant.
Coding change: c.2443T>C on transcript NM_001142800.2 (MANE Select); coding-DNA position 2443, T replaced by C.
Protein change: p.Ser815Pro; replaces serine 815 with proline.
Molecular consequence: missense variant.
Genome position (GRCh38, 1-based): chr6:64,912,682, A>G on the plus strand (T>C on the coding strand, the complement: EYS is on the minus strand). VCF-style: chr6-64912682-A-G. GRCh37 (hg19) VCF-style: chr6-65622575-A-G.
Other names: c.2443T>C, p.Ser815Pro (NM_001292009.2); short protein forms S815P.
Identifiers: ClinVar variation 1366315 (VCV001366315.5), dbSNP rs1303059939, ClinGen allele CA364786507.